The following is an entry in ClinVar:

NM_001374736.1(DST):c.2253A>T (p.Ser751=)

Gene: DST (dystonin; minus strand). Cytogenetic location: 6p12.1.
Variant type: single nucleotide variant.
Coding change: c.2253A>T on transcript NM_001374736.1 (MANE Select); coding-DNA position 2253, A replaced by T.
Protein change: p.Ser751=; no amino-acid change (serine 751 retained).
Molecular consequence: synonymous variant.
Genome position (GRCh38, 1-based): chr6:56,640,380, T>A on the plus strand (A>T on the coding strand, the complement: DST is on the minus strand). VCF-style: chr6-56640380-T-A. GRCh37 (hg19) VCF-style: chr6-56505178-T-A.
Other names: c.2154A>T, p.Ser718= (NM_001144769.5); c.1740A>T, p.Ser580= (NM_001144770.2); c.2253A>T, p.Ser751= (NM_001374722.1); c.1620A>T, p.Ser540= (NM_001374729.1, NM_001374730.1, NM_001386100.1 and 1 more transcripts); c.2280A>T, p.Ser760= (NM_001374734.1); c.642A>T, p.Ser214= (NM_001723.7, NM_015548.5).
Identifiers: ClinVar variation 784854 (VCV000784854.12), dbSNP rs369018665, ClinGen allele CA3871463.

ClinVar aggregate classification (germline): Likely benign. Review status: criteria provided, multiple submitters, no conflicts (2 of 4 stars). 2 submissions from 2 submitters: Likely benign (2). Last evaluated 2025-03-09.

Conditions:
Epidermolysis bullosa simplex 3, localized or generalized intermediate, with BP230 deficiency (EBS3). Also called: Epidermolysis bullosa simplex, autosomal recessive 2; Epidermolysis bullosa simplex due to BP230 deficiency. Identifiers: Orphanet 412181, MedGen C3809470, MONDO:0014180, OMIM 615425.
Hereditary sensory and autonomic neuropathy type 6. Also called: HSAN VI; Neuropathy, hereditary sensory and autonomic, type VI. Identifiers: Orphanet 314381, MedGen C3539003, MONDO:0013839, OMIM 614653.
DST-related disorder. Also called: DST-related condition; DST-related disorders.

Allele frequency attached by ClinVar (database versions not stated): ExAC 0.00004; ESP Exome Variant Server 0.00008; TOPMed 0.00010; gnomAD 0.00013 and 0.00014.
gnomAD v4.1: 27 of 1,614,040 alleles (0.0017%); highest among the groups gnomAD compares: African/African-American, 0.036%; no homozygotes.

Submissions (2):

PreventionGenetics, part of Exact Sciences
Classification: Likely benign for DST-related condition. Last evaluated: 2025-03-09. Review status: criteria provided, single submitter. Criteria: ACMG Guidelines, 2015. Collection method: clinical testing. Allele origin: germline.
Comment: This variant is classified as likely benign based on ACMG/AMP sequence variant interpretation guidelines (Richards et al. 2015 PMID: 25741868, with internal and published modifications).

Labcorp Genetics (formerly Invitae), Labcorp
Classification: Likely benign for Epidermolysis bullosa simplex 3, localized or generalized intermediate, with BP230 deficiency; Hereditary sensory and autonomic neuropathy type 6. Last evaluated: 2024-06-01. Review status: criteria provided, single submitter. Criteria: Invitae Variant Classification Sherloc (09022015). Collection method: clinical testing. Allele origin: germline.